The following is an entry in ClinVar:

ClinVar aggregate classification (germline): Uncertain significance. Review status: criteria provided, single submitter (1 of 4 stars). 2 submissions from 2 submitters: Uncertain significance (1). 1 of the submissions does not count toward it. Last evaluated 2020-05-28.

Conditions:
FLNA-related disorder.

Submissions (2):

GeneDx
Classification: Uncertain significance. Last evaluated: 2020-05-28. Review status: criteria provided, single submitter. Criteria: GeneDx Variant Classification Process June 2021. Collection method: clinical testing. Allele origin: germline. Affected: yes.
Comment: In silico analysis supports a deleterious effect on splicing; Has not been previously published as pathogenic or benign to our knowledge

PreventionGenetics, part of Exact Sciences
Classification: Uncertain significance for FLNA-related condition. Last evaluated: 2024-08-03. Review status: no assertion criteria provided. Collection method: clinical testing. Allele origin: germline. Not counted in ClinVar's aggregate classification.
Comment: The FLNA c.5313+5G>A variant is predicted to interfere with splicing. This variant is predicted to impact splicing by decreasing the strength of the canonical splice donor site (Alamut Visual Plus v1.6.1). To our knowledge, this variant has not been reported in the literature or in a large population database, indicating this variant is rare. At this time, the clinical significance of this variant is uncertain due to the absence of conclusive functional and genetic evidence.

NM_001110556.2(FLNA):c.5313+5G>A

Gene: FLNA (filamin A; minus strand). Cytogenetic location: Xq28.
Variant type: single nucleotide variant.
Coding change: c.5313+5G>A on transcript NM_001110556.2 (MANE Select); 5 bases into the intron after coding-DNA position 5313, G replaced by A.
Molecular consequence: intron variant.
Genome position (GRCh38, 1-based): chrX:154,354,611, C>T on the plus strand (G>A on the coding strand, the complement: FLNA is on the minus strand). VCF-style: chrX-154354611-C-T. GRCh37 (hg19) VCF-style: chrX-153582979-C-T.
Other names: c.5313+5G>A (NM_001110556.1); c.5289+5G>A (NM_001456.4).
Identifiers: ClinVar variation 1195423 (VCV001195423.3), dbSNP rs1557176492, ClinGen allele CA645290208.
Genomic context (GRCh38, chrX:154,354,611, plus strand): 5'-TAAACTAGGGGCTCACAGAACACCCAGCTGGCTAGCCCCAGTGTCCCTAGCTGGCCAGGC[C>T]GTACCCAAGTCTGCTGGCCGCCCTGGGCGTAGGTGTACTGTGGGGCCAGCTGCTGAGACC-3'